The following is an entry in ClinVar:

ClinVar aggregate classification (germline): Uncertain significance (1 of 4 stars; one submission).

Conditions:
Multiple gastrointestinal atresias. Also called: FAMILIAL INTESTINAL POLYATRESIA SYNDROME; Multiple intestinal atresia. Identifiers: Orphanet 2300, MedGen C0220744, MONDO:0009465.

Allele frequency attached by ClinVar (database versions not stated): gnomAD 0.00001; TOPMed 0.00001.
gnomAD v4.1: 2 of 1,614,074 alleles (0.00012%); highest among the groups gnomAD compares: Admixed American, 0.0017%; no homozygotes.

Submission:

Labcorp Genetics (formerly Invitae), Labcorp
Classification: Uncertain significance for Multiple gastrointestinal atresias. Last evaluated: 2022-11-28. Review status: criteria provided, single submitter. Criteria: Invitae Variant Classification Sherloc (09022015). Collection method: clinical testing. Allele origin: germline.
Comment: This variant has not been reported in the literature in individuals affected with TTC7A-related conditions. ClinVar contains an entry for this variant (Variation ID: 1389772). Advanced modeling of protein sequence and biophysical properties (such as structural, functional, and spatial information, amino acid conservation, physicochemical variation, residue mobility, and thermodynamic stability) performed at Invitae indicates that this missense variant is expected to disrupt TTC7A protein function. In summary, the available evidence is currently insufficient to determine the role of this variant in disease. Therefore, it has been classified as a Variant of Uncertain Significance. This sequence change replaces glycine, which is neutral and non-polar, with valine, which is neutral and non-polar, at codon 615 of the TTC7A protein (p.Gly615Val). This variant is not present in population databases (gnomAD no frequency).

NM_020458.4(TTC7A):c.1844G>T (p.Gly615Val)

Gene: TTC7A (tetratricopeptide repeat domain 7A; plus strand). Cytogenetic location: 2p21.
Variant type: single nucleotide variant.
Coding change: c.1844G>T on transcript NM_020458.4 (MANE Select); coding-DNA position 1844, G replaced by T.
Protein change: p.Gly615Val; replaces glycine 615 with valine.
Molecular consequence: missense variant.
Genome position (GRCh38, 1-based): chr2:47,046,356, G>T. VCF-style: chr2-47046356-G-T. GRCh37 (hg19) VCF-style: chr2-47273495-G-T.
Other names: c.1844G>T, p.Gly615Val (NM_001288951.2); c.1742G>T, p.Gly581Val (NM_001288953.2); c.782G>T, p.Gly261Val (NM_001288955.2); short protein forms G581V, G261V, G615V.
Identifiers: ClinVar variation 1389772 (VCV001389772.7), dbSNP rs1322909698, ClinGen allele CA346719688.